The following is an entry in ClinVar:

ClinVar aggregate classification (germline): Uncertain significance (1 of 4 stars; one submission).

Conditions:
Developmental and epileptic encephalopathy 94 (DEE94). Also called: CHD2-Related Neurodevelopmental Disorders; Epileptic encephalopathy, childhood-onset. Identifiers: Orphanet 1942, Orphanet 2382, MedGen C3809278, MONDO:0014150, OMIM 615369.

Submission:

Labcorp Genetics (formerly Invitae), Labcorp
Classification: Uncertain significance for Developmental and epileptic encephalopathy 94. Last evaluated: 2023-08-23. Review status: criteria provided, single submitter. Criteria: Invitae Variant Classification Sherloc (09022015). Collection method: clinical testing. Allele origin: germline.
Comment: Advanced modeling of protein sequence and biophysical properties (such as structural, functional, and spatial information, amino acid conservation, physicochemical variation, residue mobility, and thermodynamic stability) performed at Invitae indicates that this missense variant is not expected to disrupt CHD2 protein function. This sequence change replaces threonine, which is neutral and polar, with serine, which is neutral and polar, at codon 164 of the CHD2 protein (p.Thr164Ser). This variant is not present in population databases (gnomAD no frequency). This variant has not been reported in the literature in individuals affected with CHD2-related conditions. In summary, the available evidence is currently insufficient to determine the role of this variant in disease. Therefore, it has been classified as a Variant of Uncertain Significance.

NM_001271.4(CHD2):c.491C>G (p.Thr164Ser)

Gene: CHD2 (chromodomain helicase DNA binding protein 2; plus strand). Cytogenetic location: 15q26.1.
Variant type: single nucleotide variant.
Coding change: c.491C>G on transcript NM_001271.4 (MANE Select); coding-DNA position 491, C replaced by G.
Protein change: p.Thr164Ser; replaces threonine 164 with serine.
Molecular consequence: missense variant.
Genome position (GRCh38, 1-based): chr15:92,937,565, C>G. VCF-style: chr15-92937565-C-G. GRCh37 (hg19) VCF-style: chr15-93480795-C-G.
Other names: c.491C>G, p.Thr164Ser (NM_001042572.3); short protein forms T164S.
Identifiers: ClinVar variation 2790253 (VCV002790253.3), dbSNP rs2505426530, ClinGen allele CA393899699.
Genomic context (GRCh38, chr15:92,937,565, plus strand): 5'-CTTTTGATCACAGAGAAAAATGGAAACAGGAACCCTCAGAAGATGAACAGGAACAAGGCA[C>G]CAGTGCAGAGAGTGAGCCAGAACAAAAAAAAGTAAAAGCCAGAAGACCTGTCCCCAGAAG-3'
Protein context (NP_001262.3, residues 154-174): EPSEDEQEQG[Thr164Ser]SAESEPEQKK